The following is an entry in ClinVar:

ClinVar aggregate classification (germline): Uncertain significance (1 of 4 stars; one submission).

Conditions:
Multiple endocrine neoplasia, type 2 (MEN2). Identifiers: Orphanet 653, MedGen C4048306, MONDO:0019003. Disease mechanism: gain of function.

Submission:

Labcorp Genetics (formerly Invitae), Labcorp
Classification: Uncertain significance for Multiple endocrine neoplasia, type 2. Last evaluated: 2023-03-31. Review status: criteria provided, single submitter. Criteria: Invitae Variant Classification Sherloc (09022015). Collection method: clinical testing. Allele origin: germline.
Comment: In summary, the available evidence is currently insufficient to determine the role of this variant in disease. Therefore, it has been classified as a Variant of Uncertain Significance. Variants that disrupt the consensus splice site are a relatively common cause of aberrant splicing (PMID: 17576681, 9536098). Algorithms developed to predict the effect of sequence changes on RNA splicing suggest that this variant may disrupt the consensus splice site. An algorithm developed to predict the effect of missense changes on protein structure and function (PolyPhen-2) suggests that this variant is likely to be disruptive. ClinVar contains an entry for this variant (Variation ID: 571596). This variant has not been reported in the literature in individuals affected with RET-related conditions. This variant is not present in population databases (gnomAD no frequency). This sequence change replaces glycine, which is neutral and non-polar, with arginine, which is basic and polar, at codon 1063 of the RET protein (p.Gly1063Arg). This variant also falls at the last nucleotide of exon 19, which is part of the consensus splice site for this exon.

Literature cited by the submitters: PubMed 17576681; PubMed 9536098.

NM_020975.6(RET):c.3187G>C (p.Gly1063Arg)

Gene: RET (ret proto-oncogene; plus strand). Cytogenetic location: 10q11.21.
Variant type: single nucleotide variant.
Coding change: c.3187G>C on transcript NM_020975.6 (MANE Select); coding-DNA position 3187, G replaced by C.
Protein change: p.Gly1063Arg; replaces glycine 1063 with arginine.
Molecular consequence: missense variant.
Genome position (GRCh38, 1-based): chr10:43,126,722, G>C. VCF-style: chr10-43126722-G-C. GRCh37 (hg19) VCF-style: chr10-43622170-G-C.
Other names: c.3187G>C, p.Gly1063Arg (NM_000323.2, NM_001406743.1, NM_020630.7); c.2425G>C, p.Gly809Arg (NM_001355216.2); c.3187G>C, p.Asp1063His (NM_001406744.1, NM_020629.2); c.3058G>C, p.Gly1020Arg (NM_001406761.1, NM_001406762.1, NM_001406764.1); c.3052G>C, p.Gly1018Arg (NM_001406763.1, NM_001406765.1); c.2899G>C, p.Gly967Arg (NM_001406766.1, NM_001406767.1, NM_001406770.1); c.2923G>C, p.Gly975Arg (NM_001406768.1); c.2791G>C, p.Gly931Arg (NM_001406769.1, NM_001406772.1); and 13 more; short protein forms G1063R, G809R, D821H, G580R, G628R, G724R, G821R, G917R.
Identifiers: ClinVar variation 571596 (VCV000571596.9), dbSNP rs1564502015, ClinGen allele CA376558561.